The following is an entry in ClinVar:

NM_212552.3(BOLA3):c.256C>G (p.Gln86Glu)

Gene: BOLA3 (bolA family member 3; minus strand). Cytogenetic location: 2p13.1.
Variant type: single nucleotide variant.
Coding change: c.256C>G on transcript NM_212552.3 (MANE Select); coding-DNA position 256, C replaced by G.
Protein change: p.Gln86Glu; replaces glutamine 86 with glutamic acid.
Molecular consequence: missense variant. On other transcripts: intron variant (1).
Genome position (GRCh38, 1-based): chr2:74,142,274, G>C on the plus strand (C>G on the coding strand, the complement: BOLA3 is on the minus strand). VCF-style: chr2-74142274-G-C. GRCh37 (hg19) VCF-style: chr2-74369401-G-C.
Other names: c.169+2915C>G (NM_001035505.2); short protein forms Q86E.
Identifiers: ClinVar variation 337056 (VCV000337056.14), dbSNP rs149964046, ClinGen allele CA1719460.
Genomic context (GRCh38, chr2:74,142,274, plus strand): 5'-GGCAGGCCCCTTTGGAGGCTGAAGGCCAGTGGCAAGGGGCACTGTTGCCTCTACTGACCT[G>C]ATTAACCATCTGGTGCTGCTGGACAGTTCTCTTCTCCTTAAATTCTTCTGATTCAATTTT-3'
Protein context (NP_997717.2, residues 76-96): RTVQQHQMVN[Gln86Glu]ALKEEIKEMH

ClinVar aggregate classification (germline): Uncertain significance. Review status: criteria provided, multiple submitters, no conflicts (2 of 4 stars). 4 submissions from 4 submitters: Uncertain significance (4). Last evaluated 2025-08-24.

Conditions:
Inborn genetic diseases. Identifiers: MedGen C0950123, MeSH D030342.
Multiple mitochondrial dysfunctions syndrome 2 (MMDS2). Also called: MULTIPLE MITOCHONDRIAL DYSFUNCTIONS SYNDROME 2 WITH HYPERGLYCINEMIA. Identifiers: Orphanet 401874, MedGen C3280378, MONDO:0013675, OMIM 614299.

Allele frequency attached by ClinVar (database versions not stated): ESP Exome Variant Server 0.00008; gnomAD 0.00008 and 0.00009; TOPMed 0.00010; gnomAD exomes 0.00011 and 0.00017; ExAC 0.00013.
gnomAD v4.1: 267 of 1,611,984 alleles (0.017%); highest among the groups gnomAD compares: Non-Finnish European, 0.021%; no homozygotes.

Submissions (4):

GeneDx
Classification: Uncertain significance. Last evaluated: 2025-08-24. Review status: criteria provided, single submitter. Criteria: GeneDx Variant Classification Process June 2021. Collection method: clinical testing. Allele origin: germline. Affected: yes.
Comment: In silico analysis suggests that this missense variant does not alter protein structure/function; Has not been previously published as pathogenic or benign to our knowledge

Labcorp Genetics (formerly Invitae), Labcorp
Classification: Uncertain significance. Last evaluated: 2025-04-04. Review status: criteria provided, single submitter. Criteria: Invitae Variant Classification Sherloc (09022015). Collection method: clinical testing. Allele origin: germline.
Comment: This sequence change replaces glutamine, which is neutral and polar, with glutamic acid, which is acidic and polar, at codon 86 of the BOLA3 protein (p.Gln86Glu). This variant is present in population databases (rs149964046, gnomAD 0.02%). This variant has not been reported in the literature in individuals affected with BOLA3-related conditions. ClinVar contains an entry for this variant (Variation ID: 337056). An algorithm developed to predict the effect of missense changes on protein structure and function (PolyPhen-2) suggests that this variant is likely to be tolerated. In summary, the available evidence is currently insufficient to determine the role of this variant in disease. Therefore, it has been classified as a Variant of Uncertain Significance.

Ambry Genetics
Classification: Uncertain significance for Inborn genetic diseases. Last evaluated: 2023-10-05. Review status: criteria provided, single submitter. Criteria: Ambry Variant Classification Scheme 2023. Collection method: clinical testing. Allele origin: germline.

Illumina Laboratory Services, Illumina
Classification: Uncertain significance for Multiple mitochondrial dysfunctions syndrome 2. Last evaluated: 2018-01-13. Review status: criteria provided, single submitter. Criteria: ICSL Variant Classification Criteria 13 December 2019. Collection method: clinical testing. Allele origin: germline.